The following is an entry in ClinVar:

ClinVar aggregate classification (germline): Uncertain significance (1 of 4 stars; one submission).

Conditions:
Familial acute necrotizing encephalopathy (IIAE3). Also called: ENCEPHALOPATHY, ACUTE, INFECTION-INDUCED, SUSCEPTIBILITY TO, 3; Susceptibility to Acute Necrotizing Encephalopathy 1. Identifiers: Orphanet 88619, MedGen C2675556, MONDO:0011953, OMIM 608033.

Submission:

Labcorp Genetics (formerly Invitae), Labcorp
Classification: Uncertain significance for Familial acute necrotizing encephalopathy. Last evaluated: 2020-08-05. Review status: criteria provided, single submitter. Criteria: Invitae Variant Classification Sherloc (09022015). Collection method: clinical testing. Allele origin: germline.
Comment: This sequence change creates a premature translational stop signal (p.Lys2433Serfs*3) in the RANBP2 gene. It is expected to result in an absent or disrupted protein product. This variant is not present in population databases (ExAC no frequency). This variant has not been reported in the literature in individuals with RANBP2-related conditions. Algorithms developed to predict the effect of sequence changes on RNA splicing suggest that this variant may create or strengthen a splice site, but this prediction has not been confirmed by published transcriptional studies. The current clinical and genetic evidence is not sufficient to establish whether loss-of-function variants in RANBP2 cause disease. In summary, the available evidence is currently insufficient to determine the role of this variant in disease. Therefore, it has been classified as a Variant of Uncertain Significance.

NM_006267.5(RANBP2):c.7283_7284insGGCAGACTCGTTTTCGTTTTAAACTACAGGATGT (p.Phe2432_Lys2433insSerPheTerAlaAspSerPhe)

Gene: RANBP2 (RAN binding protein 2; plus strand). Cytogenetic location: 2q13.
Variant type: Insertion.
Coding change: c.7283_7284insGGCAGACTCGTTTTCGTTTTAAACTACAGGATGT on transcript NM_006267.5 (MANE Select); coding-DNA positions 7283 to 7284, GGCAGACTCGTTTTCGTTTTAAACTACAGGATGT inserted.
Protein change: p.Phe2432_Lys2433insSerPheTerAlaAspSerPhe.
Molecular consequence: nonsense, inframe insertion.
Genome position: GRCh38: chr2:108,767,822-108,767,823. GRCh37 (hg19): chr2:109,384,278-109,384,279.
Identifiers: ClinVar variation 1057373 (VCV001057373.2), dbSNP rs2149283861, ClinGen allele CA2499214944.